The following is an entry in ClinVar:

NM_004991.4(MECOM):c.1333C>G (p.Leu445Val)

Gene: MECOM (MDS1 and EVI1 complex locus; minus strand). Cytogenetic location: 3q26.2.
Variant type: single nucleotide variant.
Coding change: c.1333C>G on transcript NM_004991.4 (MANE Select); coding-DNA position 1333, C replaced by G.
Protein change: p.Leu445Val; replaces leucine 445 with valine.
Molecular consequence: missense variant. On other transcripts: intron variant (2).
Genome position (GRCh38, 1-based): chr3:169,116,539, G>C on the plus strand (C>G on the coding strand, the complement: MECOM is on the minus strand). VCF-style: chr3-169116539-G-C. GRCh37 (hg19) VCF-style: chr3-168834327-G-C.
Other names: c.964C>G, p.Leu322Val (NM_001105077.4); c.769C>G, p.Leu257Val (NM_001105078.4, NM_001164000.2, NM_001205194.2 and 4 more transcripts); c.772C>G, p.Leu258Val (NM_001163999.2, NM_001366467.2, NM_001366468.2 and 1 more transcripts); c.1333C>G, p.Leu445Val (NM_001366466.2); c.1133-772C>G (NM_001366473.2); c.569-772C>G (NM_001366474.2); short protein forms L257V, L258V, L322V, L445V.
Identifiers: ClinVar variation 4859706 (VCV004859706.1).

ClinVar aggregate classification (germline): Uncertain significance (1 of 4 stars; one submission).

Conditions:
Inborn genetic diseases. Identifiers: MedGen C0950123, MeSH D030342.

gnomAD v4.1: 1 of 1,614,070 alleles (0.000062%); highest among the groups gnomAD compares: Non-Finnish European, 0.000085%; no homozygotes.

Submission:

Ambry Genetics
Classification: Uncertain significance for Inborn genetic diseases. Last evaluated: 2026-03-25. Review status: criteria provided, single submitter. Criteria: Ambry Variant Classification Scheme 2023. Collection method: clinical testing. Allele origin: germline.
Comment: The p.L445V variant (also known as c.1333C>G), located in coding exon 8 of the MECOM gene, results from a C to G substitution at nucleotide position 1333. The leucine at codon 445 is replaced by valine, an amino acid with highly similar properties. This amino acid position is conserved. In addition, this alteration is predicted to be tolerated by in silico analysis. Based on the available evidence, the clinical significance of this variant remains unclear.